The following is an entry in ClinVar:

NM_006623.4(PHGDH):c.1358T>G (p.Phe453Cys)

Gene: PHGDH (phosphoglycerate dehydrogenase; plus strand). Cytogenetic location: 1p12.
Variant type: single nucleotide variant.
Coding change: c.1358T>G on transcript NM_006623.4 (MANE Select); coding-DNA position 1358, T replaced by G.
Protein change: p.Phe453Cys; replaces phenylalanine 453 with cysteine.
Molecular consequence: missense variant.
Genome position (GRCh38, 1-based): chr1:119,742,955, T>G. VCF-style: chr1-119742955-T-G. GRCh37 (hg19) VCF-style: chr1-120285578-T-G.
Other names: short protein forms F453C.
Identifiers: ClinVar variation 1417763 (VCV001417763.8), dbSNP rs2101225315, ClinGen allele CA341853782.

ClinVar aggregate classification (germline): Uncertain significance (1 of 4 stars; one submission).

Conditions:
PHGDH deficiency. Identifiers: Orphanet 79351, MedGen C1866174, MONDO:0011152, OMIM 601815.

Submission:

Labcorp Genetics (formerly Invitae), Labcorp
Classification: Uncertain significance for PHGDH deficiency. Last evaluated: 2022-08-23. Review status: criteria provided, single submitter. Criteria: Invitae Variant Classification Sherloc (09022015). Collection method: clinical testing. Allele origin: germline.
Comment: In summary, the available evidence is currently insufficient to determine the role of this variant in disease. Therefore, it has been classified as a Variant of Uncertain Significance. Algorithms developed to predict the effect of missense changes on protein structure and function are either unavailable or do not agree on the potential impact of this missense change (SIFT: "Tolerated"; PolyPhen-2: "Probably Damaging"; Align-GVGD: "Class C0"). ClinVar contains an entry for this variant (Variation ID: 1417763). This variant has not been reported in the literature in individuals affected with PHGDH-related conditions. This variant is not present in population databases (gnomAD no frequency). This sequence change replaces phenylalanine, which is neutral and non-polar, with cysteine, which is neutral and slightly polar, at codon 453 of the PHGDH protein (p.Phe453Cys).